The following is an entry in ClinVar:

NM_001282531.3(ADNP):c.2223C>G (p.Phe741Leu)

Gene: ADNP (activity dependent neuroprotector homeobox; minus strand). Cytogenetic location: 20q13.13.
Variant type: single nucleotide variant.
Coding change: c.2223C>G on transcript NM_001282531.3 (MANE Select); coding-DNA position 2223, C replaced by G.
Protein change: p.Phe741Leu; replaces phenylalanine 741 with leucine.
Molecular consequence: missense variant.
Genome position (GRCh38, 1-based): chr20:50,892,491, G>C on the plus strand (C>G on the coding strand, the complement: ADNP is on the minus strand). VCF-style: chr20-50892491-G-C. GRCh37 (hg19) VCF-style: chr20-49509028-G-C.
Other names: c.2223C>G, p.Phe741Leu (NM_001282532.2, NM_001347511.2, NM_015339.5 and 1 more transcripts); short protein forms F741L.
Identifiers: ClinVar variation 2505257 (VCV002505257.1), dbSNP rs1403278522, ClinGen allele CA408970936.
Genomic context (GRCh38, chr20:50,892,491, plus strand): 5'-ATCTTCATGACCCTTGGGGTCTAAAGCTAAAACAACAGGCTCTTCAGGCTTCTCTTCAAA[G>C]AAGCTGGGTGAATCACTATCATCATCTAACTTTCGTTTTTTCAGTAAGGGAAATTCCATT-3'
Protein context (NP_001269460.1, residues 731-751): KLDDDSDSPS[Phe741Leu]FEEKPEEPVV

ClinVar aggregate classification (germline): Uncertain significance (1 of 4 stars; one submission).

Allele frequency attached by ClinVar (database versions not stated): TOPMed below 0.00001.

Submission:

Greenwood Genetic Center Diagnostic Laboratories, Greenwood Genetic Center
Classification: Uncertain significance. Last evaluated: 2023-01-31. Review status: criteria provided, single submitter. Criteria: ACMG Guidelines, 2015. Collection method: clinical testing. Allele origin: germline. Affected: yes.
Comment: PM2